The following is an entry in ClinVar:

ClinVar aggregate classification (germline): Uncertain significance (1 of 4 stars; one submission).

Submission:

Labcorp Genetics (formerly Invitae), Labcorp
Classification: Uncertain significance. Last evaluated: 2022-04-02. Review status: criteria provided, single submitter. Criteria: Invitae Variant Classification Sherloc (09022015). Collection method: clinical testing. Allele origin: germline.
Comment: In summary, the available evidence is currently insufficient to determine the role of this variant in disease. Therefore, it has been classified as a Variant of Uncertain Significance. This sequence change falls in intron 18 of the TOP2B gene. It does not directly change the encoded amino acid sequence of the TOP2B protein. This variant is not present in population databases (gnomAD no frequency). This variant has not been reported in the literature in individuals affected with TOP2B-related conditions. Algorithms developed to predict the effect of sequence changes on RNA splicing suggest that this variant may disrupt the consensus splice site.

NM_001330700.2(TOP2B):c.2225-18_2225-5del

Gene: TOP2B (DNA topoisomerase II beta; minus strand). Cytogenetic location: 3p24.2.
Variant type: Deletion.
Coding change: c.2225-18_2225-5del on transcript NM_001330700.2 (MANE Select); 18 bases into the intron before coding-DNA position 2225 through 5 bases into the intron before coding-DNA position 2225, 14 bases deleted (GAGCTCTTTTAAAA).
Molecular consequence: intron variant.
Genome position (GRCh38, 1-based): chr3:25,624,808-25,624,821, TTTTAAAAGAGCTC deleted on the plus strand (GAGCTCTTTTAAAA on the coding strand, the reverse complement: TOP2B is on the minus strand); deleting any 14 consecutive bases within chr3:25,624,808-25,624,829 gives the same sequence; the c. name uses the placement nearest the transcript's 3' end. VCF-style (leftmost placement, unchanged base first): chr3-25624807-TTTTTAAAAGAGCTC-T. GRCh37 (hg19) VCF-style: chr3-25666298-TTTTTAAAAGAGCTC-T.
Other names: c.2210-18_2210-5del (NM_001068.3).
Identifiers: ClinVar variation 2120902 (VCV002120902.4), dbSNP rs2470338673, ClinGen allele CA2577531491.